The following is an entry in ClinVar:

NM_000059.4(BRCA2):c.5158dup (p.Ser1720fs)

Gene: BRCA2 (BRCA2 DNA repair associated; plus strand). Cytogenetic location: 13q13.1.
Variant type: Duplication.
Coding change: c.5158dup on transcript NM_000059.4 (MANE Select); coding-DNA position 5158, one base duplicated (T; older notation c.5158dupT).
Protein change: p.Ser1720fs; shifts the reading frame from serine 1720.
Molecular consequence: frameshift variant.
Genome position (GRCh38, 1-based): chr13:32,339,513, T duplicated; the last of 2 consecutive T bases (chr13:32,339,512-32,339,513); duplicating either gives the same sequence. VCF-style (leftmost placement, unchanged base first): chr13-32339511-A-AT. GRCh37 (hg19) VCF-style: chr13-32913648-A-AT.
Other names: 5386insT; c.5158dupT (NM_000059.3); short protein forms S1720fs.
Identifiers: ClinVar variation 51781 (VCV000051781.38), dbSNP rs80359489, ClinGen allele CA021422.

ClinVar aggregate classification (germline): Pathogenic. Review status: reviewed by expert panel (3 of 4 stars). 19 submissions from 19 submitters: Pathogenic (1). 18 of the submissions do not count toward it. Last evaluated 2016-09-08.

Conditions:
Hereditary cancer-predisposing syndrome. Also called: Hereditary Cancer Syndrome; Tumor predisposition; Neoplastic Syndromes, Hereditary; Hereditary neoplastic syndrome. Identifiers: Orphanet 140162, MedGen C0027672, MeSH D009386, MONDO:0015356.
Hereditary breast ovarian cancer syndrome. Also called: Hereditary breast and ovarian cancer syndrome; Breast and ovarian cancer; BRCA1- and BRCA2-Associated Hereditary Breast and Ovarian Cancer; Hereditary breast and ovarian cancer; Hereditary breast and ovarian cancer syndrome (HBOC); Hereditary breast and/or ovarian cancer syndrome. Identifiers: Orphanet 145, MedGen C0677776, MeSH D061325, MONDO:0003582. Disease mechanism: loss of function.
Breast-ovarian cancer, familial, susceptibility to, 2 (BROVCA2). Also called: BRCA2 Hereditary Breast and Ovarian Cancer. Identifiers: Orphanet 145, MedGen C2675520, MONDO:0012933, OMIM 612555. Disease mechanism: loss of function.
Familial cancer of breast. Also called: hereditary breast carcinoma; Hereditary breast cancer; BREAST CANCER, FAMILIAL. Identifiers: Orphanet 227535, MedGen C0346153, MONDO:0016419, OMIM 114480. Disease mechanism: loss of function.

Submissions 1 to 10 of 19:

Evidence-based Network for the Interpretation of Germline Mutant Alleles (ENIGMA)
Classification: Pathogenic for Breast-ovarian cancer, familial, susceptibility to, 2. Last evaluated: 2016-09-08. Review status: reviewed by expert panel. Criteria: ENIGMA BRCA1/2 Classification Criteria (2015). Collection method: curation. Allele origin: germline.
Comment: Variant allele predicted to encode a truncated non-functional protein.

Labcorp Genetics (formerly Invitae), Labcorp
Classification: Pathogenic for Hereditary breast ovarian cancer syndrome. Last evaluated: 2026-01-13. Review status: criteria provided, single submitter. Criteria: Invitae Variant Classification Sherloc (09022015). Collection method: clinical testing. Allele origin: germline. Not counted in ClinVar's aggregate classification.
Comment: This sequence change creates a premature translational stop signal (p.Ser1720Phefs*7) in the BRCA2 gene. It is expected to result in an absent or disrupted protein product. Loss-of-function variants in BRCA2 are known to be pathogenic (PMID: 20104584). This variant is not present in population databases (gnomAD no frequency). This premature translational stop signal has been observed in individual(s) with breast and/or ovarian cancer (PMID: 21324516, 25395318, 26219728). This variant is also known as c.5158_5159insT and 5386insT. ClinVar contains an entry for this variant (Variation ID: 51781). For these reasons, this variant has been classified as Pathogenic.

Variantyx, Inc.
Classification: Pathogenic for Breast-ovarian cancer, familial, susceptibility to, 2. Last evaluated: 2025-11-05. Review status: criteria provided, single submitter. Criteria: Variantyx Assertion Criteria 2022. Collection method: clinical testing. Allele origin: germline. Inheritance: Autosomal dominant inheritance. Affected: yes. Not counted in ClinVar's aggregate classification.
Comment: This is a frameshift variant in the BRCA2 gene (OMIM: 600185). Pathogenic variants in this gene have been associated with autosomal dominant susceptibility to familial breast ovarian cancer 2. This variant introduces a premature termination codon in exon 11 out of 27, an exon where a different proven pathogenic premature termination codon variant has been seen before (PM5_Strong)and is expected to result in loss of function, which is a known disease mechanism for BRCA2 in this disorder (PVS1) (PMID:20301425). This variant is absent from control populations (PM2), while it has been reported in the heterozygous state in at least three unrelated affected individual) (PMID: 21324516, 25395318, 26219728). Based on the current evidence, this variant is classified as pathogenic for autosomal dominant susceptibility to familial breast ovarian cancer 2.

Color Diagnostics, LLC DBA Color Health
Classification: Pathogenic for Hereditary cancer-predisposing syndrome. Last evaluated: 2025-08-19. Review status: criteria provided, single submitter. Criteria: ACMG Guidelines, 2015. Collection method: clinical testing. Allele origin: germline. Not counted in ClinVar's aggregate classification.
Comment: This variant inserts 1 nucleotide in exon 11 of the BRCA2 gene, creating a frameshift and premature translation stop signal. This variant is expected to result in an absent or non-functional protein product. This variant has been reported in individuals affected with breast and/or ovarian cancer (PMID: 19714488, 21324516, 25186627, 25395318, 26219728, 32438681). A multifactorial analysis has reached a combined likelihood ratio (LR) of 39.712 based on reported LR for co-occurrence with a pathogenic variant and personal and family history for 3 carriers (PMID: 31853058). This variant has not been identified in the general population by the Genome Aggregation Database (gnomAD). Loss of BRCA2 function is a known mechanism of disease. Based on the available evidence, this variant is classified as Pathogenic.

Ambry Genetics
Classification: Pathogenic for Hereditary cancer-predisposing syndrome. Last evaluated: 2024-08-23. Review status: criteria provided, single submitter. Criteria: Ambry Variant Classification Scheme 2023. Collection method: clinical testing. Allele origin: germline. Not counted in ClinVar's aggregate classification.
Comment: The c.5158dupT pathogenic mutation, located in coding exon 10 of the BRCA2 gene, results from a duplication of T at nucleotide position 5158, causing a translational frameshift with a predicted alternate stop codon (p.S1720Ffs*7). This alteration was detected in a breast-ovarian cancer family from Italy and resides in the ovarian cancer cluster region (OCCR) of BRCA2 (Coppa A et al. Breast Cancer Res.Treat. 2014 Dec;148(3):629-35). Of note, this alteration is also referred to as 5386insT and c.5158_5159insT in the published literature. This variant is considered to be rare based on population cohorts in the Genome Aggregation Database (gnomAD). In addition to the clinical data presented in the literature, this alteration is expected to result in loss of function by premature protein truncation or nonsense-mediated mRNA decay. As such, this alteration is interpreted as a disease-causing mutation.

Baylor Genetics
Classification: Pathogenic for Familial cancer of breast. Last evaluated: 2024-02-06. Review status: criteria provided, single submitter. Criteria: ACMG Guidelines, 2015. Collection method: clinical testing. Allele origin: unknown. Not counted in ClinVar's aggregate classification.

Revvity Omics, Revvity
Classification: Pathogenic. Last evaluated: 2024-01-18. Review status: criteria provided, single submitter. Criteria: ACMG Guidelines, 2015. Collection method: clinical testing. Allele origin: germline. Not counted in ClinVar's aggregate classification.

GeneDx
Classification: Pathogenic. Last evaluated: 2023-12-19. Review status: criteria provided, single submitter. Criteria: GeneDx Variant Classification Process June 2021. Collection method: clinical testing. Allele origin: germline. Affected: yes. Not counted in ClinVar's aggregate classification.
Comment: Frameshift variant predicted to result in protein truncation or nonsense mediated decay in a gene for which loss-of-function is a known mechanism of disease; Not observed at significant frequency in large population cohorts (gnomAD); Truncating variants in this gene are considered pathogenic by a well-established clinical consortium and/or database; Observed in individuals with a personal or family history consistent with pathogenic variants in this gene (PMID: 21324516, 25395318, 26219728); Also known as 5386dupT; This variant is associated with the following publications: (PMID: 19714488, 25186627, 28888541, 25395318, 21324516, 26219728, 28152038, 32438681, 30787465, 29446198, 36623239)

Illumina Laboratory Services, Illumina
Classification: Pathogenic for Breast-ovarian cancer, familial, susceptibility to, 2. Last evaluated: 2023-11-27. Review status: criteria provided, single submitter. Criteria: ICSLVariantClassificationCriteria RUGD 01 April 2020. Collection method: clinical testing. Allele origin: unknown. Not counted in ClinVar's aggregate classification.
Comment: The BRCA2 c.5158dup p.(Ser1720PhefsTer7) variant causes a shift in the protein reading frame that is predicted to result in premature termination of the protein. Loss of normal protein function through either protein truncation or nonsense-mediated mRNA decay is expected. This variant has been reported in the literature in individuals with breast and/or ovarian cancer (PMID: 25186627; 25395318; 21324516). Additionally, other well-known, pathogenic truncating variants have been identified that affect the same exon of BRCA2. This variant is not observed in version 2.1.1 or version 4.0.0 of the Genome Aggregation Database. Based on the available evidence, the c.5158dup p.(Ser1720PhefsTer7) variant is classified as pathogenic for hereditary breast and ovarian cancer.

Institute for Genomic Medicine (IGM) Clinical Laboratory, Nationwide Children's Hospital
Classification: Pathogenic for Hereditary cancer-predisposing syndrome. Last evaluated: 2023-11-09. Review status: criteria provided, single submitter. Criteria: ACMG Guidelines, 2015. Collection method: clinical testing. Allele origin: germline. Not counted in ClinVar's aggregate classification.
Comment: This variant is predicted to result in loss of function through nonsense-mediated decay of the encoded transcript or premature truncation of the encoded protein in a gene in which loss of function is a known mechanism of disease (ACMG/AMP: PVS1). This variant has been reported at an elevated frequency in affected individuals/in multiple affected individuals in the literature (ACMG/AMP: PS4; PMIDs:19714488, 21324516, 25186627, 32438681). This variant is absent from or present at an exceedingly low frequency in gnomAD, a large-scale control population database (ACMG/AMP: PM2).